The following is an entry in ClinVar:

NM_003850.3(SUCLA2):c.70G>C (p.Ala24Pro)

Genes: SUCLA2 (succinate-CoA ligase ADP-forming subunit beta; minus strand), LOC130009747 (ATAC-STARR-seq lymphoblastoid active region 7719; plus strand). Cytogenetic location: 13q14.2.
Variant type: single nucleotide variant.
Coding change: c.70G>C on transcript NM_003850.3 (MANE Select); coding-DNA position 70, G replaced by C.
Protein change: p.Ala24Pro; replaces alanine 24 with proline.
Molecular consequence: missense variant.
Genome position (GRCh38, 1-based): chr13:48,001,200, C>G on the plus strand (G>C on the coding strand, the complement: SUCLA2 is on the minus strand). VCF-style: chr13-48001200-C-G. GRCh37 (hg19) VCF-style: chr13-48575336-C-G.
Other names: short protein forms A24P.
Identifiers: ClinVar variation 5016966 (VCV005016966.1).

ClinVar aggregate classification (germline): Uncertain significance (1 of 4 stars; one submission).

gnomAD v4.1: 2 of 1,609,418 alleles (0.00012%); highest among the groups gnomAD compares: Middle Eastern, 0.017%; no homozygotes.

Submission:

GeneDx
Classification: Uncertain significance. Last evaluated: 2026-03-31. Review status: criteria provided, single submitter. Criteria: GeneDx Variant Classification Process June 2021. Collection method: clinical testing. Allele origin: germline.
Comment: Not observed at significant frequency in large population cohorts (gnomAD); In silico analysis suggests that this missense variant does not alter protein structure/function; Has not been previously published as pathogenic or benign to our knowledge